The following is an entry in ClinVar:

NM_004304.5(ALK):c.1389G>C (p.Gln463His)

Gene: ALK (ALK receptor tyrosine kinase; minus strand). Cytogenetic location: 2p23.2.
Variant type: single nucleotide variant.
Coding change: c.1389G>C on transcript NM_004304.5 (MANE Select); coding-DNA position 1389, G replaced by C.
Protein change: p.Gln463His; replaces glutamine 463 with histidine.
Molecular consequence: missense variant.
Genome position (GRCh38, 1-based): chr2:29,328,375, C>G on the plus strand (G>C on the coding strand, the complement: ALK is on the minus strand). VCF-style: chr2-29328375-C-G. GRCh37 (hg19) VCF-style: chr2-29551241-C-G.
Other names: short protein forms Q463H.
Identifiers: ClinVar variation 1038559 (VCV001038559.14), dbSNP rs1667338201, ClinGen allele CA346474138.

ClinVar aggregate classification (germline): Uncertain significance. Review status: criteria provided, multiple submitters, no conflicts (2 of 4 stars). 2 submissions from 2 submitters: Uncertain significance (2). Last evaluated 2025-04-28.

Conditions:
Neuroblastoma, susceptibility to, 3. Also called: ALK-Related Neuroblastic Tumor Susceptibility. Identifiers: Orphanet 635, MedGen C2751681, MONDO:0013083, OMIM 613014.
Hereditary cancer-predisposing syndrome. Also called: Neoplastic Syndromes, Hereditary; Hereditary Cancer Syndrome; Tumor predisposition; Hereditary neoplastic syndrome. Identifiers: Orphanet 140162, MedGen C0027672, MeSH D009386, MONDO:0015356.

Allele frequency attached by ClinVar (database versions not stated): gnomAD exomes below 0.00001.
gnomAD v4.1: 2 of 1,614,184 alleles (0.00012%); highest among the groups gnomAD compares: African/African-American, 0.0027%; no homozygotes.

Submissions (2):

Labcorp Genetics (formerly Invitae), Labcorp
Classification: Uncertain significance for Neuroblastoma, susceptibility to, 3. Last evaluated: 2025-04-28. Review status: criteria provided, single submitter. Criteria: Invitae Variant Classification Sherloc (09022015). Collection method: clinical testing. Allele origin: germline.
Comment: This sequence change replaces glutamine, which is neutral and polar, with histidine, which is basic and polar, at codon 463 of the ALK protein (p.Gln463His). This variant is not present in population databases (gnomAD no frequency). This variant has not been reported in the literature in individuals affected with ALK-related conditions. ClinVar contains an entry for this variant (Variation ID: 1038559). An algorithm developed to predict the effect of missense changes on protein structure and function outputs the following: PolyPhen-2: "Benign". The histidine amino acid residue is found in multiple mammalian species, which suggests that this missense change does not adversely affect protein function. In summary, the available evidence is currently insufficient to determine the role of this variant in disease. Therefore, it has been classified as a Variant of Uncertain Significance.

Ambry Genetics
Classification: Uncertain significance for Hereditary cancer-predisposing syndrome. Last evaluated: 2024-05-02. Review status: criteria provided, single submitter. Criteria: Ambry Variant Classification Scheme 2023. Collection method: clinical testing. Allele origin: germline.
Comment: The p.Q463H variant (also known as c.1389G>C), located in coding exon 6 of the ALK gene, results from a G to C substitution at nucleotide position 1389. The glutamine at codon 463 is replaced by histidine, an amino acid with highly similar properties. This amino acid position is conserved. In addition, this alteration is predicted to be tolerated by in silico analysis. Since supporting evidence is limited at this time, the clinical significance of this alteration remains unclear.